The following is an entry in ClinVar:

NM_001384732.1(CPLANE1):c.662T>C (p.Val221Ala)

Gene: CPLANE1 (ciliogenesis and planar polarity effector complex subunit 1; minus strand). Cytogenetic location: 5p13.2.
Variant type: single nucleotide variant.
Coding change: c.662T>C on transcript NM_001384732.1 (MANE Select); coding-DNA position 662, T replaced by C.
Protein change: p.Val221Ala; replaces valine 221 with alanine.
Molecular consequence: missense variant.
Genome position (GRCh38, 1-based): chr5:37,243,028, A>G on the plus strand (T>C on the coding strand, the complement: CPLANE1 is on the minus strand). VCF-style: chr5-37243028-A-G. GRCh37 (hg19) VCF-style: chr5-37243130-A-G.
Other names: c.662T>C, p.Val221Ala (NM_023073.4); short protein forms V221A.
Identifiers: ClinVar variation 353466 (VCV000353466.42), dbSNP rs370118778, ClinGen allele CA3239168.

ClinVar aggregate classification (germline): Benign/Likely benign. Review status: criteria provided, multiple submitters, no conflicts (2 of 4 stars). 10 submissions from 10 submitters: Benign (1); Likely benign (5). 4 of the submissions do not count toward it. Last evaluated 2026-01-20.

Conditions:
CPLANE1-related disorder. Also called: CPLANE1-related condition.
Joubert syndrome 17 (JBTS17). Identifiers: Orphanet 475, MedGen C3553264, MONDO:0013824, OMIM 614615.

Allele frequency attached by ClinVar (database versions not stated): gnomAD 0.00004 and 0.00021; TOPMed 0.00006; gnomAD exomes 0.00033 and 0.00086; 1000 Genomes Project 0.00040; 1000 Genomes Project 30x 0.00078; ExAC 0.00263.
gnomAD v4.1: 490 of 1,541,016 alleles (0.032%); highest among the groups gnomAD compares: South Asian, 0.5%; 8 homozygotes.

Submissions (10):

Labcorp Genetics (formerly Invitae), Labcorp
Classification: Benign. Last evaluated: 2026-01-20. Review status: criteria provided, single submitter. Criteria: Invitae Variant Classification Sherloc (09022015). Collection method: clinical testing. Allele origin: germline.

CeGaT Center for Human Genetics Tuebingen
Classification: Likely benign. Last evaluated: 2025-11-01. Review status: criteria provided, single submitter. Criteria: CeGaT Center For Human Genetics Tuebingen Variant Classification Criteria Version 2. Collection method: clinical testing. Allele origin: germline. Affected: yes. Observed: 6 variant alleles.
Comment: CPLANE1: BP4, BS2

Blueprint Genetics
Classification: Likely benign. Last evaluated: 2024-08-12. Review status: criteria provided, single submitter. Criteria: ACMG Guidelines, 2015. Collection method: clinical testing. Allele origin: germline.

Illumina Laboratory Services, Illumina
Classification: Likely benign for Joubert syndrome 17. Last evaluated: 2018-01-13. Review status: criteria provided, single submitter. Criteria: ICSL Variant Classification Criteria 13 December 2019. Collection method: clinical testing. Allele origin: germline.
Comment: This variant was observed in the ICSL laboratory as part of a predisposition screen in an ostensibly healthy population. It had not been previously curated by ICSL or reported in the Human Gene Mutation Database (HGMD: prior to June 1st, 2018), and was therefore a candidate for classification through an automated scoring system. Utilizing variant allele frequency, disease prevalence and penetrance estimates, and inheritance mode, an automated score was calculated to assess if this variant is too frequent to cause the disease. Based on the score and internal cut-off values, a variant classified as likely benign is not then subjected to further curation. The score for this variant resulted in a classification of likely benign for this disease.

GeneDx
Classification: Likely benign. Last evaluated: 2017-12-12. Review status: criteria provided, single submitter. Criteria: GeneDx Variant Classification (06012015). Collection method: clinical testing. Allele origin: germline. Affected: yes.
Comment: This variant is considered likely benign or benign based on one or more of the following criteria: it is a conservative change, it occurs at a poorly conserved position in the protein, it is predicted to be benign by multiple in silico algorithms, and/or has population frequency not consistent with disease.

Breakthrough Genomics
Classification: Likely benign. Review status: criteria provided, single submitter. Criteria: ACMG Guidelines, 2015. Collection method: not provided. Allele origin: germline. Inheritance: Autosomal recessive inheritance. Affected: yes.

PreventionGenetics, part of Exact Sciences
Classification: Likely benign for CPLANE1-related condition. Last evaluated: 2022-04-20. Review status: no assertion criteria provided. Collection method: clinical testing. Allele origin: germline. Not counted in ClinVar's aggregate classification.
Comment: This variant is classified as likely benign based on ACMG/AMP sequence variant interpretation guidelines (Richards et al. 2015 PMID: 25741868, with internal and published modifications).

Clinical Genetics DNA and cytogenetics Diagnostics Lab, Erasmus MC, Erasmus Medical Center
Classification: Likely benign. Review status: no assertion criteria provided. Collection method: clinical testing. Allele origin: germline. Affected: yes. Study: VKGL Data-share Consensus. Not counted in ClinVar's aggregate classification.

Genome Diagnostics Laboratory, University Medical Center Utrecht
Classification: Likely benign. Review status: no assertion criteria provided. Collection method: clinical testing. Allele origin: germline. Affected: yes. Study: VKGL Data-share Consensus. Not counted in ClinVar's aggregate classification.

Laboratory of Diagnostic Genome Analysis, Leiden University Medical Center (LUMC)
Classification: Likely benign. Review status: no assertion criteria provided. Collection method: clinical testing. Allele origin: germline. Affected: yes. Study: VKGL Data-share Consensus. Not counted in ClinVar's aggregate classification.